The following is an entry in ClinVar:

NM_001768.7(CD8A):c.405G>A (p.Ala135=)

Gene: CD8A (CD8 subunit alpha; minus strand). Cytogenetic location: 2p11.2.
Variant type: single nucleotide variant.
Coding change: c.405G>A on transcript NM_001768.7 (MANE Select); coding-DNA position 405, G replaced by A.
Protein change: p.Ala135=; no amino-acid change (alanine 135 retained).
Molecular consequence: synonymous variant. On other transcripts: non-coding transcript variant (3).
Genome position (GRCh38, 1-based): chr2:86,789,749, C>T on the plus strand (G>A on the coding strand, the complement: CD8A is on the minus strand). VCF-style: chr2-86789749-C-T. GRCh37 (hg19) VCF-style: chr2-87016872-C-T.
Other names: c.405G>A, p.Ala135= (NM_001145873.1, NM_001382698.1, NM_171827.4).
Identifiers: ClinVar variation 533086 (VCV000533086.37), dbSNP rs77254522, ClinGen allele CA1751186.

ClinVar aggregate classification (germline): Benign/Likely benign. Review status: criteria provided, multiple submitters, no conflicts (2 of 4 stars). 4 submissions from 4 submitters: Benign (1); Likely benign (2). 1 of the submissions does not count toward it. Last evaluated 2026-01-22.

Conditions:
Susceptibility to respiratory infections associated with CD8alpha chain mutation (IMD116). Also called: Cd8 deficiency, familial; IMMUNODEFICIENCY 116. Identifiers: Orphanet 169085, MedGen C1837065, MONDO:0012161, OMIM 608957.
CD8A-related disorder. Also called: CD8A-related condition.

Allele frequency attached by ClinVar (database versions not stated): gnomAD exomes 0.00018; ESP Exome Variant Server 0.00106; gnomAD 0.00194 and 0.00214; TOPMed 0.00195; 1000 Genomes Project 30x 0.00203; 1000 Genomes Project 0.00220; ExAC 0.00270.
gnomAD v4.1: 527 of 1,356,652 alleles (0.039%); highest among the groups gnomAD compares: African/African-American, 0.71%; 3 homozygotes.

Submissions (4):

Labcorp Genetics (formerly Invitae), Labcorp
Classification: Benign for Susceptibility to respiratory infections associated with CD8alpha chain mutation. Last evaluated: 2026-01-22. Review status: criteria provided, single submitter. Criteria: Invitae Variant Classification Sherloc (09022015). Collection method: clinical testing. Allele origin: germline.

Blueprint Genetics
Classification: Likely benign. Last evaluated: 2024-06-19. Review status: criteria provided, single submitter. Criteria: ACMG Guidelines, 2015. Collection method: clinical testing. Allele origin: germline.

CeGaT Center for Human Genetics Tuebingen
Classification: Likely benign. Last evaluated: 2022-03-01. Review status: criteria provided, single submitter. Criteria: CeGaT Center For Human Genetics Tuebingen Variant Classification Criteria Version 2. Collection method: clinical testing. Allele origin: germline. Affected: yes. Observed: 1 variant allele.
Comment: CD8A: BP4, BP7

PreventionGenetics, part of Exact Sciences
Classification: Benign for CD8A-related condition. Last evaluated: 2019-06-06. Review status: no assertion criteria provided. Collection method: clinical testing. Allele origin: germline. Not counted in ClinVar's aggregate classification.
Comment: This variant is classified as benign based on ACMG/AMP sequence variant interpretation guidelines (Richards et al. 2015 PMID: 25741868, with internal and published modifications).